The following is an entry in ClinVar:

ClinVar aggregate classification (germline): Uncertain significance. Review status: criteria provided, multiple submitters, no conflicts (2 of 4 stars). 3 submissions from 3 submitters: Uncertain significance (3). Last evaluated 2026-08-21.

Conditions:
Hereditary nonpolyposis colorectal neoplasms. Identifiers: MedGen C0009405, MeSH D003123.
Hereditary cancer-predisposing syndrome. Also called: Neoplastic Syndromes, Hereditary; Hereditary Cancer Syndrome; Tumor predisposition; Hereditary neoplastic syndrome. Identifiers: Orphanet 140162, MedGen C0027672, MeSH D009386, MONDO:0015356.

Submissions (3):

Ambry Genetics
Classification: Uncertain significance for Hereditary cancer-predisposing syndrome. Last evaluated: 2026-08-21. Review status: criteria provided, single submitter. Criteria: Ambry Variant Classification Scheme 2023. Collection method: clinical testing. Allele origin: germline.
Comment: The p.Y977D variant (also known as c.2929T>G), located in coding exon 4 of the MSH6 gene, results from a T to G substitution at nucleotide position 2929. The tyrosine at codon 977 is replaced by aspartic acid, an amino acid with highly dissimilar properties. This amino acid position is conserved. In addition, this alteration is predicted to be deleterious by in silico analysis. Based on the available evidence, the clinical significance of this variant remains unclear.

Quest Diagnostics Nichols Institute San Juan Capistrano
Classification: Uncertain significance. Last evaluated: 2024-12-26. Review status: criteria provided, single submitter. Criteria: Quest Diagnostics criteria. Collection method: clinical testing. Allele origin: unknown.
Comment: The MSH6 c.2929T>G (p.Tyr977Asp) variant has not been reported in individuals with MSH6-related conditions in the published literature. It also has not been reported in large, multi-ethnic general populations (Genome Aggregation Database). Analysis of this variant using bioinformatics tools for the prediction of the effect of amino acid changes on protein structure and function yielded predictions that this variant is damaging. Based on the available information, we are unable to determine the clinical significance of this variant.

Labcorp Genetics (formerly Invitae), Labcorp
Classification: Uncertain significance for Hereditary nonpolyposis colorectal neoplasms. Last evaluated: 2019-05-02. Review status: criteria provided, single submitter. Criteria: Invitae Variant Classification Sherloc (09022015). Collection method: clinical testing. Allele origin: germline.
Comment: This sequence change replaces tyrosine with aspartic acid at codon 977 of the MSH6 protein (p.Tyr977Asp). The tyrosine residue is moderately conserved and there is a large physicochemical difference between tyrosine and aspartic acid. This variant is not present in population databases (ExAC no frequency). This variant has not been reported in the literature in individuals with MSH6-related conditions. Algorithms developed to predict the effect of missense changes on protein structure and function are either unavailable or do not agree on the potential impact of this missense change (SIFT: "Deleterious"; PolyPhen-2: "Probably Damaging"; Align-GVGD: "Class C15"). In summary, the available evidence is currently insufficient to determine the role of this variant in disease. Therefore, it has been classified as a Variant of Uncertain Significance.

NM_000179.3(MSH6):c.2929T>G (p.Tyr977Asp)

Gene: MSH6 (mutS homolog 6; plus strand). Cytogenetic location: 2p16.3.
Variant type: single nucleotide variant.
Coding change: c.2929T>G on transcript NM_000179.3 (MANE Select); coding-DNA position 2929, T replaced by G.
Protein change: p.Tyr977Asp; replaces tyrosine 977 with aspartic acid.
Molecular consequence: missense variant.
Genome position (GRCh38, 1-based): chr2:47,800,912, T>G. VCF-style: chr2-47800912-T-G. GRCh37 (hg19) VCF-style: chr2-48028051-T-G.
Other names: c.2539T>G, p.Tyr847Asp (NM_001281492.2); c.2023T>G, p.Tyr675Asp (NM_001281493.2, NM_001281494.2); short protein forms Y675D, Y977D, Y847D.
Identifiers: ClinVar variation 950502 (VCV000950502.14), dbSNP rs1669528965, ClinGen allele CA346756197.